The following is an entry in ClinVar:

ClinVar aggregate classification (germline): Uncertain significance (1 of 4 stars; one submission).

Conditions:
Brugada syndrome. Also called: Sudden unexpected nocturnal death syndrome; Sudden Unexplained Death Syndrome; Sudden Unexplained Nocturnal Death Syndrome (SUNDS); Sudden unexplained nocturnal death syndrome. Identifiers: Orphanet 130, MedGen C1142166, MONDO:0015263.

Submission:

Labcorp Genetics (formerly Invitae), Labcorp
Classification: Uncertain significance for Brugada syndrome. Last evaluated: 2024-01-04. Review status: criteria provided, single submitter. Criteria: Invitae Variant Classification Sherloc (09022015). Collection method: clinical testing. Allele origin: unknown.
Comment: This variant is a gross deletion of the genomic region encompassing exon(s) 12 of the SLMAP gene. This variant would be expected to be in-frame, preserving the integrity of the reading frame. This variant has not been reported in the literature in individuals affected with SLMAP-related conditions. Experimental studies and prediction algorithms are not available or were not evaluated, and the functional significance of this variant is currently unknown. In summary, the available evidence is currently insufficient to determine the role of this variant in disease. Therefore, it has been classified as a Variant of Uncertain Significance.

NC_000003.11:g.(?_57875748)_(57875847_?)del

Gene: SLMAP (sarcolemma associated protein; plus strand). Cytogenetic location: 3p14.3.
Variant type: Deletion.
Identifiers: ClinVar variation 3246877 (VCV003246877.1).